The following is an entry in ClinVar:

NM_001082486.2(ACD):c.773T>C (p.Leu258Pro)

Gene: ACD (ACD shelterin complex subunit and telomerase recruitment factor; minus strand). Cytogenetic location: 16q22.1.
Variant type: single nucleotide variant.
Coding change: c.773T>C on transcript NM_001082486.2 (MANE Select); coding-DNA position 773, T replaced by C.
Protein change: p.Leu258Pro; replaces leucine 258 with proline.
Molecular consequence: missense variant.
Genome position (GRCh38, 1-based): chr16:67,658,611, A>G on the plus strand (T>C on the coding strand, the complement: ACD is on the minus strand). VCF-style: chr16-67658611-A-G. GRCh37 (hg19) VCF-style: chr16-67692514-A-G.
Other names: c.764T>C, p.Leu255Pro (NM_022914.3); short protein forms L255P, L258P.
Identifiers: ClinVar variation 1771373 (VCV001771373.8), dbSNP rs573094162, ClinGen allele CA8114535.

ClinVar aggregate classification (germline): Uncertain significance. Review status: criteria provided, multiple submitters, no conflicts (2 of 4 stars). 2 submissions from 2 submitters: Uncertain significance (2). Last evaluated 2025-03-07.

Conditions:
Dyskeratosis congenita, autosomal dominant 6 (DKCA6). Identifiers: Orphanet 3322, MedGen C4225284, MONDO:0014690, OMIM 616553.
Inborn genetic diseases. Identifiers: MedGen C0950123, MeSH D030342.

Allele frequency attached by ClinVar (database versions not stated): gnomAD exomes below 0.00001; ExAC 0.00001; gnomAD 0.00001; 1000 Genomes Project 0.00020; 1000 Genomes Project 30x 0.00031.
gnomAD v4.1: 3 of 1,576,896 alleles (0.00019%); highest among the groups gnomAD compares: South Asian, 0.0023%; 1 homozygote.

Submissions (2):

Labcorp Genetics (formerly Invitae), Labcorp
Classification: Uncertain significance for Dyskeratosis congenita, autosomal dominant 6. Last evaluated: 2025-03-07. Review status: criteria provided, single submitter. Criteria: Invitae Variant Classification Sherloc (09022015). Collection method: clinical testing. Allele origin: germline.
Comment: This sequence change replaces leucine, which is neutral and non-polar, with proline, which is neutral and non-polar, at codon 344 of the ACD protein (p.Leu344Pro). This variant is present in population databases (rs573094162, gnomAD 0.003%). This variant has not been reported in the literature in individuals affected with ACD-related conditions. ClinVar contains an entry for this variant (Variation ID: 1771373). Invitae Evidence Modeling of protein sequence and biophysical properties (such as structural, functional, and spatial information, amino acid conservation, physicochemical variation, residue mobility, and thermodynamic stability) indicates that this missense variant is not expected to disrupt ACD protein function with a negative predictive value of 80%. In summary, the available evidence is currently insufficient to determine the role of this variant in disease. Therefore, it has been classified as a Variant of Uncertain Significance.

Ambry Genetics
Classification: Uncertain significance for Inborn genetic diseases. Last evaluated: 2024-09-19. Review status: criteria provided, single submitter. Criteria: Ambry Variant Classification Scheme 2023. Collection method: clinical testing. Allele origin: germline.
Comment: The p.L344P variant (also known as c.1031T>C), located in coding exon 9 of the ACD gene, results from a T to C substitution at nucleotide position 1031. The leucine at codon 344 is replaced by proline, an amino acid with similar properties. This amino acid position is conserved. In addition, this alteration is predicted to be tolerated by in silico analysis. Since supporting evidence is limited at this time, the clinical significance of this alteration remains unclear.